The following is an entry in ClinVar:

NM_001376.5(DYNC1H1):c.11543G>T (p.Gly3848Val)

Gene: DYNC1H1 (dynein cytoplasmic 1 heavy chain 1; plus strand). Cytogenetic location: 14q32.31.
Variant type: single nucleotide variant.
Coding change: c.11543G>T on transcript NM_001376.5 (MANE Select); coding-DNA position 11543, G replaced by T.
Protein change: p.Gly3848Val; replaces glycine 3848 with valine.
Molecular consequence: missense variant.
Genome position (GRCh38, 1-based): chr14:102,039,494, G>T. VCF-style: chr14-102039494-G-T. GRCh37 (hg19) VCF-style: chr14-102505831-G-T.
Other names: c.11543G>T (NM_001376.4); short protein forms G3848V.
Identifiers: ClinVar variation 1515479 (VCV001515479.40), dbSNP rs754712755, ClinGen allele CA7353638.

ClinVar aggregate classification (germline): Uncertain significance. Review status: criteria provided, multiple submitters, no conflicts (2 of 4 stars). 3 submissions from 3 submitters: Uncertain significance (3). Last evaluated 2026-09-02.

Conditions:
DYNC1H1-related disorder. Also called: DYNC1H1-related disorders; DYNC1H1-related condition. Identifiers: MedGen CN381529.
Charcot-Marie-Tooth disease axonal type 2O. Also called: CHARCOT-MARIE-TOOTH NEUROPATHY, AXONAL, TYPE 2O; CHARCOT-MARIE-TOOTH DISEASE, AXONAL, AUTOSOMAL DOMINANT, TYPE 2O; Charcot-Marie-Tooth Neuropathy Type 2O; Charcot-Marie-Tooth disease, axonal, type 20. Identifiers: Orphanet 284232, MedGen C3280220, MONDO:0013644, OMIM 614228.

Allele frequency attached by ClinVar (database versions not stated): gnomAD 0.00001.
gnomAD v4.1: 5 of 1,614,110 alleles (0.00031%); highest among the groups gnomAD compares: Non-Finnish European, 0.00042%; no homozygotes.

Submissions (3):

PreventionGenetics, part of Exact Sciences
Classification: Uncertain significance for DYNC1H1-related condition. Last evaluated: 2026-09-02. Review status: criteria provided, single submitter. Criteria: ACMG Guidelines, 2015. Collection method: clinical testing. Allele origin: germline.
Comment: The DYNC1H1 c.11543G>T variant is predicted to result in the amino acid substitution p.Gly3848Val. To our knowledge, this variant has not been reported in the literature. This variant is reported in 0.0026% of alleles in individuals of European (non-Finnish) descent in gnomAD. At this time, the clinical significance of this variant is uncertain due to the absence of conclusive functional and genetic evidence.

CeGaT Center for Human Genetics Tuebingen
Classification: Uncertain significance. Last evaluated: 2022-02-01. Review status: criteria provided, single submitter. Criteria: CeGaT Center For Human Genetics Tuebingen Variant Classification Criteria Version 2. Collection method: clinical testing. Allele origin: germline. Affected: yes. Observed: 1 variant allele.

Labcorp Genetics (formerly Invitae), Labcorp
Classification: Uncertain significance for Charcot-Marie-Tooth disease axonal type 2O. Last evaluated: 2022-01-15. Review status: criteria provided, single submitter. Criteria: Invitae Variant Classification Sherloc (09022015). Collection method: clinical testing. Allele origin: germline.
Comment: In summary, the available evidence is currently insufficient to determine the role of this variant in disease. Therefore, it has been classified as a Variant of Uncertain Significance. Algorithms developed to predict the effect of missense changes on protein structure and function are either unavailable or do not agree on the potential impact of this missense change (SIFT: "Deleterious"; PolyPhen-2: "Benign"; Align-GVGD: "Class C15"). This variant has not been reported in the literature in individuals affected with DYNC1H1-related conditions. This variant is present in population databases (rs754712755, gnomAD 0.003%). This sequence change replaces glycine, which is neutral and non-polar, with valine, which is neutral and non-polar, at codon 3848 of the DYNC1H1 protein (p.Gly3848Val).